The following is an entry in ClinVar:

NM_024426.6(WT1):c.314C>G (p.Ala105Gly)

Genes: WT1 (WT1 transcription factor; minus strand), LOC107982234 (WT1/WT1-AS bi-directional promoter region; plus strand). Cytogenetic location: 11p13.
Variant type: single nucleotide variant.
Coding change: c.314C>G on transcript NM_024426.6 (MANE Select); coding-DNA position 314, C replaced by G.
Protein change: p.Ala105Gly; replaces alanine 105 with glycine.
Molecular consequence: missense variant. On other transcripts: non-coding transcript variant (1).
Genome position (GRCh38, 1-based): chr11:32,435,047, G>C on the plus strand (C>G on the coding strand, the complement: WT1 is on the minus strand). VCF-style: chr11-32435047-G-C. GRCh37 (hg19) VCF-style: chr11-32456593-G-C.
Other names: c.314C>G, p.Ala105Gly (NM_000378.6, NM_024424.5); short protein forms A105G.
Identifiers: ClinVar variation 476699 (VCV000476699.45), dbSNP rs948061247, ClinGen allele CA219511175.

ClinVar aggregate classification (germline): Conflicting classifications of pathogenicity. Review status: criteria provided, conflicting classifications (1 of 4 stars). 12 submissions from 12 submitters: Uncertain significance (9); Likely benign (1). 2 of the submissions do not count toward it. Last evaluated 2026-01-28.

Conditions:
Wilms tumor 1 (WT1). Also called: Wilms tumor, somatic. Identifiers: Orphanet 654, MedGen CN033288, MONDO:0008679, OMIM 194070.
Drash syndrome (DDS). Also called: WILMS TUMOR AND PSEUDO- OR TRUE HERMAPHRODITISM; NEPHROPATHY, WILMS TUMOR, AND GENITAL ANOMALIES. Identifiers: Orphanet 220, MedGen C0950121, MONDO:0008682, OMIM 194080.
WT1-related disorder. Also called: WT1-related disorders. Identifiers: MedGen CN377814.
Frasier syndrome. Identifiers: Orphanet 347, MedGen C0950122, MeSH D052159, MONDO:0007635, OMIM 136680.
11p partial monosomy syndrome (WAGR). Also called: WAGR Spectrum Disorder; WAGR syndrome; WAGR Complex; CHROMOSOME 11p13 DELETION SYNDROME. Identifiers: Orphanet 893, MedGen C0206115, MONDO:0008681, OMIM 194072.
Aniridia 1 (AN1). Identifiers: Orphanet 250923, MedGen C0344542, MONDO:0024507, OMIM 106210.
Nephrotic syndrome, type 4 (NPHS4). Also called: Familial mesangial sclerosis; Nephrotic syndrome, early onset with diffuse mesangial sclerosis. Identifiers: Orphanet 656, MedGen C3151568, MONDO:0009733, OMIM 256370.
Meacham syndrome. Also called: Meacham Winn Culler syndrome. Identifiers: Orphanet 3097, MedGen C1837026, MONDO:0012164, OMIM 608978.
Mesothelioma, malignant (MESOM). Also called: Malignant mesothelioma (disease). Identifiers: Orphanet 50251, MedGen C0345967, MONDO:0006292, OMIM 156240, HP:0100001.
Disorder of sexual differentiation. Also called: Difference of sexual differentiation; Disorder of sex development. Identifiers: Orphanet 90771, MedGen C2930619, MONDO:0002145.
Inborn genetic diseases. Identifiers: MedGen C0950123, MeSH D030342.

Allele frequency attached by ClinVar (database versions not stated): gnomAD exomes 0.00003 and 0.00013; TOPMed 0.00006; gnomAD 0.00007 and 0.00008.
gnomAD v4.1: 54 of 1,464,284 alleles (0.0037%); highest among the groups gnomAD compares: Admixed American, 0.044%; no homozygotes.

Submissions (12):

Labcorp Genetics (formerly Invitae), Labcorp
Classification: Likely benign for Wilms tumor 1; Drash syndrome; 11p partial monosomy syndrome; Frasier syndrome. Last evaluated: 2026-01-28. Review status: criteria provided, single submitter. Criteria: Invitae Variant Classification Sherloc (09022015). Collection method: clinical testing. Allele origin: germline.

St. Jude Molecular Pathology, St. Jude Children's Research Hospital
Classification: Uncertain significance for Wilms tumor 1. Last evaluated: 2025-06-17. Review status: criteria provided, single submitter. Criteria: St. Jude Assertion Criteria 2020. Collection method: clinical testing. Allele origin: germline.
Comment: The WT1 c.314C>G (p.Ala105Gly) missense change has an over all frequency of 0.058% in gnomAD v2.1.1. The in silico tool REVEL predicts a benign effect on protein function, but to our knowledge this prediction has not been confirmed by functional studies. This variant has been reported in two siblings with steroid-resistant nephrotic syndrome who were also homozygous for NPHS1 p.Arg586Gly. Notably, their phenotype was more severe than a third sibling who carried only the NPHS1 variant (PMID: 23349334). This variant has also been reported in individuals with breast cancer, primary ovarian insufficiency and disorder of gonadal development (PMID: 35264596, 36099812, 36110220). In summary, the evidence currently available is insufficient to determine the clinical significance of this variant. It has therefore been classified as of uncertain significance.

Dasa
Classification: Uncertain significance. Last evaluated: 2025-06-04. Review status: criteria provided, single submitter. Criteria: DASA Assertion Criteria. Collection method: clinical testing. Allele origin: germline.
Comment: NM_024426.6(WT1):c.314C>G (p.Ala105Gly) is a missense variant that results in the substitution of alanine with glycine. This variant is rare in population databases. Computational prediction algorithms are consistent with a benign effect. The currently available literature and clinical evidence are not sufficient to establish a definitive association between this variant and the reported condition. Therefore, this variant is classified as a variant of uncertain significance.

Blueprint Genetics
Classification: Uncertain significance. Last evaluated: 2024-11-07. Review status: criteria provided, single submitter. Criteria: ACMG Guidelines, 2015. Collection method: clinical testing. Allele origin: germline.

CeGaT Center for Human Genetics Tuebingen
Classification: Uncertain significance. Last evaluated: 2024-09-01. Review status: criteria provided, single submitter. Criteria: CeGaT Center For Human Genetics Tuebingen Variant Classification Criteria Version 2. Collection method: clinical testing. Allele origin: germline. Affected: yes. Observed: 2 variant alleles.

Ambry Genetics
Classification: Uncertain significance for Inborn genetic diseases. Last evaluated: 2024-08-29. Review status: criteria provided, single submitter. Criteria: Ambry Variant Classification Scheme 2023. Collection method: clinical testing. Allele origin: germline.
Comment: The p.A100G variant (also known as c.299C>G), located in coding exon 1 of the WT1 gene, results from a C to G substitution at nucleotide position 299. The alanine at codon 100 is replaced by glycine, an amino acid with similar properties. This variant was identified in siblings with congenital nephrotic syndrome and both also had a co-occurring variant in NPHS1 (McCarthy HJ et al. Clin J Am Soc Nephrol, 2013 Apr;8:637-48). This amino acid position is not well conserved in available vertebrate species. In addition, this alteration is predicted to be tolerated by in silico analysis. Based on the available evidence, the clinical significance of this variant remains unclear.

Baylor Genetics
Classification: Uncertain significance for Drash syndrome. Last evaluated: 2023-09-15. Review status: criteria provided, single submitter. Criteria: ACMG Guidelines, 2015. Collection method: clinical testing. Allele origin: unknown.

Revvity Omics, Revvity
Classification: Uncertain significance. Last evaluated: 2022-06-05. Review status: criteria provided, single submitter. Criteria: ACMG Guidelines, 2015. Collection method: clinical testing. Allele origin: germline.

Fulgent Genetics
Classification: Uncertain significance for Aniridia 1; Frasier syndrome; Mesothelioma, malignant; Wilms tumor 1; 11p partial monosomy syndrome; Drash syndrome; Nephrotic syndrome, type 4; Meacham syndrome. Last evaluated: 2018-10-31. Review status: criteria provided, single submitter. Criteria: ACMG Guidelines, 2015. Collection method: clinical testing. Allele origin: unknown.

Mendelics
Classification: Uncertain significance for Wilms tumor 1. Last evaluated: 2018-07-02. Review status: criteria provided, single submitter. Criteria: Mendelics Assertion Criteria 2017. Collection method: clinical testing. Allele origin: unknown.

PreventionGenetics, part of Exact Sciences
Classification: Uncertain significance for WT1-related condition. Last evaluated: 2024-09-23. Review status: no assertion criteria provided. Collection method: clinical testing. Allele origin: germline. Not counted in ClinVar's aggregate classification.
Comment: The WT1 c.299C>G variant is predicted to result in the amino acid substitution p.Ala100Gly. This variant (also described as c.314C>G, p.Ala105Gly in NM_024426.6) has been reported in the homozygous state in a pair of siblings with steroid-resistant nephrotic syndrome (SRNS) who were also apparently homozygous for another missense variant (p.Arg586Gly) in the NPHS1 gene (McCarthy et al. 2013. PubMed ID: 23349334). Of note, both of these individuals were reported to have a more severe phenotype than a third sibling who was also homozygous for the NPHS1 variant but negative for WT1 p.Ala100Gly. The p.Ala100Gly variant has also been observed in the heterozygous state in individuals with various WT1-associated phenotypes including breast cancer (Table S3, Guindalini et al. 2022. PubMed ID: 35264596), primary ovarian insufficiency (Table S7, Heddar et al. 2022. PubMed ID: 36099812), and disorders of sex development (DSD) (Zidoune et al. 2022. PubMed ID: 36110220). This variant is reported in 0.058% of alleles in individuals of Latino descent in gnomAD; however, the quality of this data is questionable and should be treated with caution. This variant is interpreted as uncertain by multiple laboratories in ClinVar. At this time, the clinical significance of this variant is uncertain due to the absence of conclusive functional and genetic evidence.

Human Developmental Genetics, Institut Pasteur
Classification: Uncertain significance for Disorder of sexual differentiation. Last evaluated: 2021-08-15. Review status: no assertion criteria provided. Collection method: research. Allele origin: paternal. Inheritance: Autosomal dominant inheritance. Affected: yes. Observed: 1 variant allele, 1 heterozygote. Not counted in ClinVar's aggregate classification.

Literature cited by the submitters: PubMed 23349334 (cited by Ambry Genetics); PubMed 36110220 (cited by Ambry Genetics).